The following is an entry in ClinVar:

NM_000070.3(CAPN3):c.648C>G (p.Tyr216Ter)

Gene: CAPN3 (calpain 3; plus strand). Cytogenetic location: 15q15.1.
Variant type: single nucleotide variant.
Coding change: c.648C>G on transcript NM_000070.3 (MANE Select); coding-DNA position 648, C replaced by G.
Protein change: p.Tyr216Ter; replaces tyrosine 216 with a stop codon.
Molecular consequence: nonsense.
Genome position (GRCh38, 1-based): chr15:42,388,943, C>G. VCF-style: chr15-42388943-C-G. GRCh37 (hg19) VCF-style: chr15-42681141-C-G.
Other names: c.648C>G, p.Tyr216Ter (NM_024344.2, NM_173087.2); short protein forms Y216*.
Identifiers: ClinVar variation 1376842 (VCV001376842.6), dbSNP rs138846390, ClinGen allele CA391998072.

ClinVar aggregate classification (germline): Pathogenic (1 of 4 stars; one submission).

Conditions:
Autosomal recessive limb-girdle muscular dystrophy type 2A (LGMDR1). Also called: Limb-girdle muscular dystrophy, type 2A; Calpainopathy; LEYDEN-MOEBIUS MUSCULAR DYSTROPHY; MUSCULAR DYSTROPHY, PELVOFEMORAL; Muscular dystrophy, limb-girdle, type 2A, Amish. Identifiers: Orphanet 267, MedGen C1869123, MONDO:0009675, OMIM 253600. Disease mechanism: loss of function.

Submission:

Labcorp Genetics (formerly Invitae), Labcorp
Classification: Pathogenic for Autosomal recessive limb-girdle muscular dystrophy type 2A. Last evaluated: 2021-11-05. Review status: criteria provided, single submitter. Criteria: Invitae Variant Classification Sherloc (09022015). Collection method: clinical testing. Allele origin: germline.
Comment: This variant has not been reported in the literature in individuals affected with CAPN3-related conditions. For these reasons, this variant has been classified as Pathogenic. Algorithms developed to predict the effect of sequence changes on RNA splicing suggest that this variant may create or strengthen a splice site. This variant is not present in population databases (gnomAD no frequency). This sequence change creates a premature translational stop signal (p.Tyr216*) in the CAPN3 gene. It is expected to result in an absent or disrupted protein product. Loss-of-function variants in CAPN3 are known to be pathogenic (PMID: 10330340, 15689361).

Literature cited by the submitters: PubMed 10330340; PubMed 15689361.